The following is an entry in ClinVar:

ClinVar aggregate classification (germline): Likely pathogenic. Review status: criteria provided, single submitter (1 of 4 stars). 2 submissions from 2 submitters: Likely pathogenic (1). 1 of the submissions does not count toward it. Last evaluated 2018-12-12.

Conditions:
MYH9-related disorder. Identifiers: MedGen C1854520.
Macrothrombocytopenia and granulocyte inclusions with or without nephritis or sensorineural hearing loss (MATINS). Also called: SEBASTIAN PLATELET SYNDROME; MACROTHROMBOCYTOPENIA WITH DISPERSED LEUKOCYTIC INCLUSIONS; MACROTHROMBOCYTOPENIA, NEPHRITIS, AND DEAFNESS; MACROTHROMBOCYTOPENIA, NEPHRITIS, DEAFNESS, AND LEUKOCYTE INCLUSIONS; ALPORT SYNDROME WITH MACROTHROMBOCYTOPENIA; Fechtner syndrome. Identifiers: Orphanet 182050, MedGen C5200934, MONDO:0015912, OMIM 155100.

Submissions (2):

NIHR Bioresource Rare Diseases, University of Cambridge
Classification: Likely pathogenic for MYH9-related disorder. Last evaluated: 2018-12-12. Review status: criteria provided, single submitter. Criteria: ACMG Guidelines, 2015. Collection method: research. Allele origin: unknown. Inheritance: Autosomal dominant inheritance. Affected: yes. Observed: 1 heterozygote.
Comment: PS4, PM2, PP4, PP3

GeneReviews
No classification provided. Condition: Macrothrombocytopenia and granulocyte inclusions with or without nephritis or sensorineural hearing loss. Review status: no classification provided. Collection method: literature only. Allele origin: germline. Not counted in ClinVar's aggregate classification.

Literature cited by the submitters: NCBI Bookshelf NBK2689 (cited by GeneReviews).

NM_002473.6(MYH9):c.4340A>T (p.Asp1447Val)

Gene: MYH9 (myosin heavy chain 9; minus strand). Cytogenetic location: 22q12.3.
Variant type: single nucleotide variant.
Coding change: c.4340A>T on transcript NM_002473.6 (MANE Select); coding-DNA position 4340, A replaced by T.
Protein change: p.Asp1447Val; replaces aspartic acid 1447 with valine.
Molecular consequence: missense variant.
Genome position (GRCh38, 1-based): chr22:36,291,990, T>A on the plus strand (A>T on the coding strand, the complement: MYH9 is on the minus strand). VCF-style: chr22-36291990-T-A. GRCh37 (hg19) VCF-style: chr22-36688036-T-A.
Other names: short protein forms D1447V.
Identifiers: ClinVar variation 204783 (VCV000204783.7), dbSNP rs797044804, ClinGen allele CA347309.